The following is an entry in ClinVar:

ClinVar aggregate classification (germline): Uncertain significance (1 of 4 stars; one submission).

Submission:

GeneDx
Classification: Uncertain significance. Last evaluated: 2019-08-14. Review status: criteria provided, single submitter. Criteria: GeneDx Variant Classification Process June 2021. Collection method: clinical testing. Allele origin: germline. Affected: yes.
Comment: Not observed in large population cohorts (Lek et al., 2016); In silico analysis, which includes protein predictors and evolutionary conservation, supports that this variant does not alter protein structure/function; Has not been previously published as pathogenic or benign to our knowledge

NM_001429.4(EP300):c.2325G>T (p.Met775Ile)

Gene: EP300 (E1A binding protein p300; plus strand). Cytogenetic location: 22q13.2.
Variant type: single nucleotide variant.
Coding change: c.2325G>T on transcript NM_001429.4 (MANE Select); coding-DNA position 2325, G replaced by T.
Protein change: p.Met775Ile; replaces methionine 775 with isoleucine.
Molecular consequence: missense variant.
Genome position (GRCh38, 1-based): chr22:41,149,121, G>T. VCF-style: chr22-41149121-G-T. GRCh37 (hg19) VCF-style: chr22-41545125-G-T.
Other names: c.2247G>T, p.Met749Ile (NM_001362843.2); short protein forms M749I, M775I.
Identifiers: ClinVar variation 1307926 (VCV001307926.2), dbSNP rs2145736030, ClinGen allele CA411690816.